The following is an entry in ClinVar:

ClinVar aggregate classification (germline): Conflicting classifications of pathogenicity. Review status: criteria provided, conflicting classifications (1 of 4 stars). 3 submissions from 3 submitters: Uncertain significance (1); Likely benign (2). Last evaluated 2025-03-31.

Conditions:
Neurofibromatosis, type 1 (NF1). Also called: Peripheral type neurofibromatosis; NEUROFIBROMATOSIS, TYPE I, SOMATIC; VON RECKLINGHAUSEN DISEASE; Neurofibromatosis, type I. Identifiers: Orphanet 636, MedGen C0027831, MONDO:0018975, OMIM 162200. Disease mechanism: loss of function.
Hereditary cancer-predisposing syndrome. Also called: Neoplastic Syndromes, Hereditary; Hereditary neoplastic syndrome; Tumor predisposition; Hereditary Cancer Syndrome. Identifiers: Orphanet 140162, MedGen C0027672, MeSH D009386, MONDO:0015356.
Cardiovascular phenotype. Identifiers: MedGen CN230736.

Submissions (3):

Ambry Genetics
Classification: Likely benign for Cardiovascular phenotype; Hereditary cancer-predisposing syndrome. Last evaluated: 2025-03-31. Review status: criteria provided, single submitter. Criteria: Ambry Variant Classification Scheme 2023. Collection method: clinical testing. Allele origin: germline.

Labcorp Genetics (formerly Invitae), Labcorp
Classification: Likely benign for Neurofibromatosis, type 1. Last evaluated: 2022-07-01. Review status: criteria provided, single submitter. Criteria: Invitae Variant Classification Sherloc (09022015). Collection method: clinical testing. Allele origin: germline.

Sema4
Classification: Uncertain significance for Hereditary cancer-predisposing syndrome. Last evaluated: 2021-11-22. Review status: criteria provided, single submitter. Criteria: Sema4 Curation Guidelines. Collection method: curation. Allele origin: germline.
Comment: The NF1 c.2727G>A (p.V909=) variant has not been reported in the literature to our knowledge. It was not observed in the large and broad cohorts of the Genome Aggregation Database and has not been reported in ClinVar. In silico tools suggest the nucleotide is conserved and the variant may potentially have an impact on splicing, though these predictions have not been confirmed by functional studies. The evidence is insufficient to meet ACMG/AMP criteria for classifying the variant as benign or pathogenic. Thus, the clinical significance of this variant is currently uncertain.

NM_001042492.3(NF1):c.2727G>A (p.Val909=)

Gene: NF1 (neurofibromin 1; plus strand). Cytogenetic location: 17q11.2.
Variant type: single nucleotide variant.
Coding change: c.2727G>A on transcript NM_001042492.3 (MANE Select); coding-DNA position 2727, G replaced by A.
Protein change: p.Val909=; no amino-acid change (valine 909 retained).
Molecular consequence: synonymous variant.
Genome position (GRCh38, 1-based): chr17:31,229,342, G>A. VCF-style: chr17-31229342-G-A. GRCh37 (hg19) VCF-style: chr17-29556360-G-A.
Other names: c.2727G>A, p.Val909= (NM_000267.4).
Identifiers: ClinVar variation 1621024 (VCV001621024.10), dbSNP rs2151429530, ClinGen allele CA499228434.